The following is an entry in ClinVar:

ClinVar aggregate classification (germline): Uncertain significance. Review status: criteria provided, multiple submitters, no conflicts (2 of 4 stars). 2 submissions from 2 submitters: Uncertain significance (2). Last evaluated 2023-08-22.

Conditions:
Nephronophthisis. Also called: Juvenile Nephronophthisis. Identifiers: Orphanet 655, MedGen C0687120, MONDO:0019005, HP:0000090.
Inborn genetic diseases. Identifiers: MedGen C0950123, MeSH D030342.

Allele frequency attached by ClinVar (database versions not stated): ExAC 0.00001; gnomAD 0.00001; gnomAD exomes 0.00001; TOPMed 0.00002; ESP Exome Variant Server 0.00008.

Submissions (2):

Ambry Genetics
Classification: Uncertain significance for Inborn genetic diseases. Last evaluated: 2023-08-22. Review status: criteria provided, single submitter. Criteria: Ambry Variant Classification Scheme 2023. Collection method: clinical testing. Allele origin: germline.

Labcorp Genetics (formerly Invitae), Labcorp
Classification: Uncertain significance for Nephronophthisis. Last evaluated: 2022-07-26. Review status: criteria provided, single submitter. Criteria: Invitae Variant Classification Sherloc (09022015). Collection method: clinical testing. Allele origin: germline.
Comment: This sequence change replaces aspartic acid, which is acidic and polar, with glutamic acid, which is acidic and polar, at codon 978 of the NPHP3 protein (p.Asp978Glu). This variant is present in population databases (rs141960792, gnomAD 0.01%). This variant has not been reported in the literature in individuals affected with NPHP3-related conditions. ClinVar contains an entry for this variant (Variation ID: 1018299). Algorithms developed to predict the effect of missense changes on protein structure and function are either unavailable or do not agree on the potential impact of this missense change (SIFT: "Deleterious"; PolyPhen-2: "Probably Damaging"; Align-GVGD: "Class C0"). In summary, the available evidence is currently insufficient to determine the role of this variant in disease. Therefore, it has been classified as a Variant of Uncertain Significance.

NM_153240.5(NPHP3):c.2934T>A (p.Asp978Glu)

Genes: NPHP3 (nephrocystin 3; minus strand), NPHP3-ACAD11 (NPHP3-ACAD11 readthrough (NMD candidate); minus strand). Cytogenetic location: 3q22.1.
Variant type: single nucleotide variant.
Coding change: c.2934T>A on transcript NM_153240.5 (MANE Select); coding-DNA position 2934, T replaced by A.
Protein change: p.Asp978Glu; replaces aspartic acid 978 with glutamic acid.
Molecular consequence: missense variant. On other transcripts: non-coding transcript variant (1).
Genome position (GRCh38, 1-based): chr3:132,688,841, A>T on the plus strand (T>A on the coding strand, the complement: NPHP3 is on the minus strand). VCF-style: chr3-132688841-A-T. GRCh37 (hg19) VCF-style: chr3-132407685-A-T.
Other names: c.2934T>A (NM_153240.4); short protein forms D978E.
Identifiers: ClinVar variation 1018299 (VCV001018299.7), dbSNP rs141960792, ClinGen allele CA2621875.